The following is an entry in ClinVar:

NM_000844.4(GRM7):c.1582A>T (p.Lys528Ter)

Gene: GRM7 (glutamate metabotropic receptor 7; plus strand). Cytogenetic location: 3p26.1.
Variant type: single nucleotide variant.
Coding change: c.1582A>T on transcript NM_000844.4 (MANE Select); coding-DNA position 1582, A replaced by T.
Protein change: p.Lys528Ter; replaces lysine 528 with a stop codon.
Molecular consequence: nonsense.
Genome position (GRCh38, 1-based): chr3:7,578,488, A>T. VCF-style: chr3-7578488-A-T. GRCh37 (hg19) VCF-style: chr3-7620175-A-T.
Other names: c.1582A>T, p.Lys528Ter (NM_181874.3); short protein forms K528*.
Identifiers: ClinVar variation 4856124 (VCV004856124.1).

ClinVar aggregate classification (germline): Pathogenic (1 of 4 stars; one submission).

Conditions:
Neurodevelopmental disorder with seizures, hypotonia, and brain imaging abnormalities. Identifiers: MedGen C5394517, MONDO:0030063, OMIM 618922.

Submission:

3billion
Classification: Pathogenic for Neurodevelopmental disorder with seizures, hypotonia, and brain imaging abnormalities. Last evaluated: 2025-12-18. Review status: criteria provided, single submitter. Criteria: ACMG Guidelines, 2015. Collection method: clinical testing. Allele origin: germline. Affected: yes.
Comment: The variant is not observed in the gnomAD v4.1.0 dataset. Predicted Consequence/Location: Stop-gained (nonsense): predicted to result in a loss or disruption of normal protein function through nonsense-mediated decay (NMD) or protein truncation. Multiple pathogenic variants are reported downstream of the variant. Therefore, this variant is classified as Pathogenic according to the recommendation of ACMG/AMP guideline.